The following is an entry in ClinVar:

NM_003823.4(TNFRSF6B):c.704C>G (p.Ala235Gly)

Genes: RTEL1-TNFRSF6B (RTEL1-TNFRSF6B readthrough (NMD candidate); plus strand), TNFRSF6B (TNF receptor superfamily member 6b; plus strand). Cytogenetic location: 20q13.33.
Variant type: single nucleotide variant.
Coding change: c.704C>G on transcript NM_003823.4 (MANE Select); coding-DNA position 704, C replaced by G.
Protein change: p.Ala235Gly; replaces alanine 235 with glycine.
Molecular consequence: missense variant. On other transcripts: non-coding transcript variant (1).
Genome position (GRCh38, 1-based): chr20:63,698,364, C>G. VCF-style: chr20-63698364-C-G. GRCh37 (hg19) VCF-style: chr20-62329717-C-G.
Other names: short protein forms A235G.
Identifiers: ClinVar variation 1987850 (VCV001987850.4), dbSNP rs752376808, ClinGen allele CA9966567.
Genomic context (GRCh38, chr20:63,698,364, plus strand): 5'-TCATCGACTTTGTGGCTTTCCAGGACATCTCCATCAAGAGGCTGCAGCGGCTGCTGCAGG[C>G]CCTCGAGGCCCCGGAGGGCTGGGGTCCGACACCAAGGGCGGGCCGCGCGGCCTTGCAGCT-3'
Protein context (NP_003814.1, residues 225-245): SIKRLQRLLQ[Ala235Gly]LEAPEGWGPT

ClinVar aggregate classification (germline): Uncertain significance (1 of 4 stars; one submission).

Allele frequency attached by ClinVar (database versions not stated): TOPMed 0.00002; ExAC 0.00003.
gnomAD v4.1: 6 of 1,609,674 alleles (0.00037%); highest among the groups gnomAD compares: African/African-American, 0.0067%; no homozygotes.

Submission:

Labcorp Genetics (formerly Invitae), Labcorp
Classification: Uncertain significance. Last evaluated: 2024-07-08. Review status: criteria provided, single submitter. Criteria: Invitae Variant Classification Sherloc (09022015). Collection method: clinical testing. Allele origin: germline.
Comment: This sequence change replaces alanine, which is neutral and non-polar, with glycine, which is neutral and non-polar, at codon 235 of the TNFRSF6B protein (p.Ala235Gly). This variant is present in population databases (rs752376808, gnomAD 0.01%). This variant has not been reported in the literature in individuals affected with TNFRSF6B-related conditions. ClinVar contains an entry for this variant (Variation ID: 1987850). An algorithm developed to predict the effect of missense changes on protein structure and function (PolyPhen-2) suggests that this variant is likely to be tolerated. In summary, the available evidence is currently insufficient to determine the role of this variant in disease. Therefore, it has been classified as a Variant of Uncertain Significance.